The following is an entry in ClinVar:

ClinVar aggregate classification (germline): Uncertain significance (1 of 4 stars; one submission).

Allele frequency attached by ClinVar (database versions not stated): ExAC 0.00002.
gnomAD v4.1: 6 of 1,607,646 alleles (0.00037%); highest among the groups gnomAD compares: South Asian, 0.0067%; no homozygotes.

Submission:

Ambry Genetics
Classification: Uncertain significance. Last evaluated: 2025-11-17. Review status: criteria provided, single submitter. Criteria: Ambry Variant Classification Scheme 2023. Collection method: clinical testing. Allele origin: germline.
Comment: The p.R311I variant (also known as c.932G>T), located in coding exon 7 of the RECQL gene, results from a G to T substitution at nucleotide position 932. The arginine at codon 311 is replaced by isoleucine, an amino acid with similar properties. This amino acid position is conserved. In addition, the in silico prediction for this alteration is inconclusive. Since supporting evidence is limited at this time, the clinical significance of this alteration remains unclear.

NM_002907.4(RECQL):c.932G>T (p.Arg311Ile)

Gene: RECQL (RecQ like helicase; minus strand). Cytogenetic location: 12p12.1.
Variant type: single nucleotide variant.
Coding change: c.932G>T on transcript NM_002907.4 (MANE Select); coding-DNA position 932, G replaced by T.
Protein change: p.Arg311Ile; replaces arginine 311 with isoleucine.
Molecular consequence: missense variant.
Genome position (GRCh38, 1-based): chr12:21,476,928, C>A on the plus strand (G>T on the coding strand, the complement: RECQL is on the minus strand). VCF-style: chr12-21476928-C-A. GRCh37 (hg19) VCF-style: chr12-21629862-C-A.
Other names: c.932G>T, p.Arg311Ile (NM_032941.3); short protein forms R311I.
Identifiers: ClinVar variation 1766592 (VCV001766592.3), dbSNP rs781273781, ClinGen allele CA6478920.